The following is an entry in ClinVar:

ClinVar aggregate classification (germline): Conflicting classifications of pathogenicity. Review status: criteria provided, conflicting classifications (1 of 4 stars). 7 submissions from 7 submitters: Uncertain significance (4); Benign (1). 2 of the submissions do not count toward it. Last evaluated 2025-05-20.

Conditions:
Inborn genetic diseases. Identifiers: MedGen C0950123, MeSH D030342.
Polycystic kidney disease 3 with or without polycystic liver disease. Also called: Polycystic kidney disease 3; Polycystic Kidney and/or Polycystic Liver Disease 3; POLYCYSTIC KIDNEY DISEASE, ADULT, TYPE III. Identifiers: MedGen C3887964, MONDO:0010916, OMIM 600666.
Polycystic kidney disease. Also called: Kidney, Polycystic; Polycystic kidney dysplasia. Identifiers: MedGen C0022680, MeSH D007690, MONDO:0020642, HP:0000113.
PKD1-related disorder. Also called: PKD1-related condition.

Allele frequency attached by ClinVar (database versions not stated): ESP Exome Variant Server 0.00016; gnomAD 0.00020; TOPMed 0.00025; 1000 Genomes Project 30x 0.00031; gnomAD exomes 0.00032 and 0.00033; 1000 Genomes Project 0.00040; ExAC 0.00040.
gnomAD v4.1: 490 of 1,572,480 alleles (0.031%); highest among the groups gnomAD compares: East Asian, 0.12%; no homozygotes.

Submissions (7):

GeneDx
Classification: Uncertain significance. Last evaluated: 2025-05-20. Review status: criteria provided, single submitter. Criteria: GeneDx Variant Classification Process June 2021. Collection method: clinical testing. Allele origin: germline. Affected: yes.
Comment: Reported with a second PKD1 variant in unrelated patients in published literature with renal cysts, with or without hepatic fibrosis; authors suggest the F2132 variant may be a hypomorphic allele (PMID: 31730820, 31317121, 36706243); In silico analysis supports that this missense variant has a deleterious effect on protein structure/function; This variant is associated with the following publications: (PMID: 31317121, 26489027, 30847201, 31740684, 36706243, 21694639, 31730820, 30476936, 37372410)

Mayo Clinic Laboratories, Mayo Clinic
Classification: Uncertain significance. Last evaluated: 2024-06-13. Review status: criteria provided, single submitter. Criteria: ACMG Guidelines, 2015. Collection method: clinical testing. Allele origin: germline. Observed: 2 variant alleles.
Comment: BS1, BP2, BP5, PS4_supporting

Ambry Genetics
Classification: Uncertain significance for Inborn genetic diseases. Last evaluated: 2024-02-05. Review status: criteria provided, single submitter. Criteria: Ambry Variant Classification Scheme 2023. Collection method: clinical testing. Allele origin: germline.

Athena Diagnostics
Classification: Benign. Last evaluated: 2021-04-13. Review status: criteria provided, single submitter. Criteria: Athena Diagnostics criteria. Collection method: clinical testing. Allele origin: unknown.

Baylor Genetics
Classification: Uncertain significance for Polycystic kidney disease 3 with or without polycystic liver disease. Last evaluated: 2020-01-02. Review status: criteria provided, single submitter. Criteria: ACMG Guidelines, 2015. Collection method: clinical testing. Allele origin: unknown. Affected: yes.
Comment: This variant was determined to be of uncertain significance according to ACMG Guidelines, 2015 [PMID:25741868].

PreventionGenetics, part of Exact Sciences
Classification: Likely benign for PKD1-related condition. Last evaluated: 2022-06-17. Review status: no assertion criteria provided. Collection method: clinical testing. Allele origin: germline. Not counted in ClinVar's aggregate classification.
Comment: This variant is classified as likely benign based on ACMG/AMP sequence variant interpretation guidelines (Richards et al. 2015 PMID: 25741868, with internal and published modifications).

Department of Pathology and Laboratory Medicine, Sinai Health System
Classification: Uncertain significance for Polycystic Kidney disease. Review status: no assertion criteria provided. Collection method: clinical testing. Allele origin: unknown. Affected: yes. Study: The Canadian Open Genetics Repository (COGR). Not counted in ClinVar's aggregate classification.
Comment: The PKD1 p.Phe2132Cys variant was identified in 1 of 6 proband chromosomes (frequency: 0.2) from individuals or families with autosomal dominant polycystic kidney disease (O'Brien 2012). It was also identified in dbSNP (ID: rs150154235) as "With Uncertain Significance allele", ClinVar (classified as uncertain significance by GeneDx) and the ADPKD Mutation Database (as likely pathogenic). The variant was not identified in the LOVD 3.0 or PKD1-LOVD databases. It was identified in control databases in 66 of 213056 chromosomes at a frequency of 0.0003 (Genome Aggregation Database Feb 27, 2017). The variant was observed in the following populations: East Asian in 25 of 14648 chromosomes (freq: 0.002, increasing the likelihood this could be a low frequency benign variant), Other in 1 of 5294 chromosomes (freq: 0.0002), Latino in 9 of 29454 chromosomes (freq: 0.0003), European in 26 of 90964 chromosomes (freq: 0.0003), Finnish in 2 of 19576 chromosomes (freq: 0.0001), and South Asian in 3 of 25438 chromosomes (freq: 0.0001), while it was not observed in the African or Ashkenazi Jewish populations. In addition, we cannot be certain that data from control databases is specific to PKD1 and not from one of the six PKD1 pseudogenes. The p.Phe2132 residue is conserved in mammals and computational analyses (PolyPhen-2, SIFT, AlignGVGD, BLOSUM, MutationTaster) provide inconsistent predictions regarding the impact to the protein; this information is not very predictive of pathogenicity. The variant occurs outside of the splicing consensus sequence and in silico or computational prediction software programs (SpliceSiteFinder, MaxEntScan, NNSPLICE, GeneSplicer) do not predict a difference in splicing. In summary, based on the above information, the clinical significance of this variant cannot be determined with certainty at this time. This variant is classified as a variant of uncertain significance.

Literature cited by the submitters: PubMed 21694639 (cited by 3 submitters); PubMed 26489027 (cited by 3 submitters); PubMed 30476936 (cited by Mayo Clinic Laboratories, Mayo Clinic); PubMed 30847201 (cited by 3 submitters); PubMed 31317121 (cited by 3 submitters); PubMed 31730820 (cited by 3 submitters); PubMed 31740684 (cited by 3 submitters); PubMed 36706243 (cited by Mayo Clinic Laboratories, Mayo Clinic and Ambry Genetics).

NM_001009944.3(PKD1):c.6395T>G (p.Phe2132Cys)

Gene: PKD1 (polycystin 1, transient receptor potential channel interacting; minus strand). Cytogenetic location: 16p13.3.
Variant type: single nucleotide variant.
Coding change: c.6395T>G on transcript NM_001009944.3 (MANE Select); coding-DNA position 6395, T replaced by G.
Protein change: p.Phe2132Cys; replaces phenylalanine 2132 with cysteine.
Molecular consequence: missense variant.
Genome position (GRCh38, 1-based): chr16:2,108,772, A>C on the plus strand (T>G on the coding strand, the complement: PKD1 is on the minus strand). VCF-style: chr16-2108772-A-C. GRCh37 (hg19) VCF-style: chr16-2158773-A-C.
Other names: p.Phe2132Cys; c.6395T>G, p.Phe2132Cys (NM_000296.4); short protein forms F2132C.
Identifiers: ClinVar variation 431936 (VCV000431936.14), dbSNP rs150154235, ClinGen allele CA7831616.